The following is an entry in ClinVar:

ClinVar aggregate classification (germline): Uncertain significance. Review status: criteria provided, multiple submitters, no conflicts (2 of 4 stars). 3 submissions from 3 submitters: Uncertain significance (3). Last evaluated 2025-08-06.

Conditions:
DICER1-related tumor predisposition. Also called: DICER1-related pleuropulmonary blastoma cancer predisposition syndrome; DICER1 syndrome. Identifiers: Orphanet 284343, MedGen C3839822, MONDO:0100216.
Hereditary cancer-predisposing syndrome. Also called: Tumor predisposition; Neoplastic Syndromes, Hereditary; Hereditary Cancer Syndrome; Hereditary neoplastic syndrome. Identifiers: Orphanet 140162, MedGen C0027672, MeSH D009386, MONDO:0015356.

Allele frequency attached by ClinVar (database versions not stated): gnomAD exomes below 0.00001 and 0.00001; TOPMed below 0.00001; ExAC 0.00001; gnomAD 0.00001.
gnomAD v4.1: 6 of 1,613,912 alleles (0.00037%); highest among the groups gnomAD compares: Non-Finnish European, 0.00051%; no homozygotes.

Submissions (3):

Labcorp Genetics (formerly Invitae), Labcorp
Classification: Uncertain significance for DICER1-related tumor predisposition. Last evaluated: 2025-08-06. Review status: criteria provided, single submitter. Criteria: Invitae Variant Classification Sherloc (09022015). Collection method: clinical testing. Allele origin: germline.
Comment: This sequence change replaces asparagine, which is neutral and polar, with histidine, which is basic and polar, at codon 405 of the DICER1 protein (p.Asn405His). This variant is present in population databases (rs551460901, gnomAD 0.002%). This variant has not been reported in the literature in individuals affected with DICER1-related conditions. ClinVar contains an entry for this variant (Variation ID: 477032). Invitae Evidence Modeling of protein sequence and biophysical properties (such as structural, functional, and spatial information, amino acid conservation, physicochemical variation, residue mobility, and thermodynamic stability) indicates that this missense variant is not expected to disrupt DICER1 protein function with a negative predictive value of 95%. In summary, the available evidence is currently insufficient to determine the role of this variant in disease. Therefore, it has been classified as a Variant of Uncertain Significance.

Ambry Genetics
Classification: Uncertain significance for Hereditary cancer-predisposing syndrome. Last evaluated: 2024-03-21. Review status: criteria provided, single submitter. Criteria: Ambry Variant Classification Scheme 2023. Collection method: clinical testing. Allele origin: germline.
Comment: The p.N405H variant (also known as c.1213A>C), located in coding exon 7 of the DICER1 gene, results from an A to C substitution at nucleotide position 1213. The asparagine at codon 405 is replaced by histidine, an amino acid with similar properties. This amino acid position is highly conserved in available vertebrate species. In addition, this alteration is predicted to be tolerated by in silico analysis. Since supporting evidence is limited at this time, the clinical significance of this alteration remains unclear.

Breakthrough Genomics
Classification: Uncertain significance. Review status: criteria provided, single submitter. Criteria: ACMG Guidelines, 2015. Collection method: not provided. Allele origin: germline. Inheritance: Autosomal dominant inheritance. Affected: yes.

NM_177438.3(DICER1):c.1213A>C (p.Asn405His)

Gene: DICER1 (dicer 1, ribonuclease III; minus strand). Cytogenetic location: 14q32.13.
Variant type: single nucleotide variant.
Coding change: c.1213A>C on transcript NM_177438.3 (MANE Select); coding-DNA position 1213, A replaced by C.
Protein change: p.Asn405His; replaces asparagine 405 with histidine.
Molecular consequence: missense variant.
Genome position (GRCh38, 1-based): chr14:95,124,359, T>G on the plus strand (A>C on the coding strand, the complement: DICER1 is on the minus strand). VCF-style: chr14-95124359-T-G. GRCh37 (hg19) VCF-style: chr14-95590696-T-G.
Other names: c.1213A>C, p.Asn405His (NM_001195573.1, NM_001271282.3, NM_001291628.2 and 1 more transcripts); short protein forms N405H.
Identifiers: ClinVar variation 477032 (VCV000477032.17), dbSNP rs551460901, ClinGen allele CA7331516.